The following is an entry in ClinVar:

ClinVar aggregate classification (germline): Uncertain significance (1 of 4 stars; one submission).

Submission:

GeneDx
Classification: Uncertain significance. Last evaluated: 2023-03-16. Review status: criteria provided, single submitter. Criteria: GeneDx Variant Classification Process June 2021. Collection method: clinical testing. Allele origin: germline. Affected: yes.
Comment: Not observed at significant frequency in large population cohorts (gnomAD); Missense variants in this gene are often considered pathogenic (HGMD); In silico analysis supports that this missense variant has a deleterious effect on protein structure/function; Has not been previously published as pathogenic or benign to our knowledge; This substitution is predicted to be within the C-terminal cytoplasmic domain

NM_001165963.4(SCN1A):c.5975C>T (p.Pro1992Leu)

Genes: SCN1A (sodium voltage-gated channel alpha subunit 1; minus strand), LOC102724058 (uncharacterized LOC102724058; plus strand). Cytogenetic location: 2q24.3.
Variant type: single nucleotide variant.
Coding change: c.5975C>T on transcript NM_001165963.4 (MANE Select); coding-DNA position 5975, C replaced by T.
Protein change: p.Pro1992Leu; replaces proline 1992 with leucine.
Molecular consequence: missense variant. On other transcripts: non-coding transcript variant (1).
Genome position (GRCh38, 1-based): chr2:165,991,300, G>A on the plus strand (C>T on the coding strand, the complement: SCN1A is on the minus strand). VCF-style: chr2-165991300-G-A. GRCh37 (hg19) VCF-style: chr2-166847810-G-A.
Other names: c.5891C>T, p.Pro1964Leu (NM_001165964.3, NM_001353957.2, NM_001353958.2); c.5975C>T, p.Pro1992Leu (NM_001202435.3, NM_001353948.2); c.5942C>T, p.Pro1981Leu (NM_001353949.2, NM_001353950.2, NM_001353951.2 and 2 more transcripts); c.5939C>T, p.Pro1980Leu (NM_001353954.2, NM_001353955.2); c.5888C>T, p.Pro1963Leu (NM_001353960.2); c.3533C>T, p.Pro1178Leu (NM_001353961.2); short protein forms P1178L, P1963L, P1964L, P1980L, P1981L, P1992L.
Identifiers: ClinVar variation 2580078 (VCV002580078.1), dbSNP rs2468323017, ClinGen allele CA349063061.